The following is an entry in ClinVar:

NM_020937.4(FANCM):c.1604G>A (p.Gly535Asp)

Gene: FANCM (FA complementation group M; plus strand). Cytogenetic location: 14q21.2.
Variant type: single nucleotide variant.
Coding change: c.1604G>A on transcript NM_020937.4 (MANE Select); coding-DNA position 1604, G replaced by A.
Protein change: p.Gly535Asp; replaces glycine 535 with aspartic acid.
Molecular consequence: missense variant.
Genome position (GRCh38, 1-based): chr14:45,164,381, G>A. VCF-style: chr14-45164381-G-A. GRCh37 (hg19) VCF-style: chr14-45633584-G-A.
Other names: c.1526G>A, p.Gly509Asp (NM_001308133.2); c.1604G>A, p.Gly535Asp (NM_001308134.2); short protein forms G509D, G535D.
Identifiers: ClinVar variation 944221 (VCV000944221.12), dbSNP rs201076487, ClinGen allele CA7169114.

ClinVar aggregate classification (germline): Uncertain significance. Review status: criteria provided, multiple submitters, no conflicts (2 of 4 stars). 3 submissions from 3 submitters: Uncertain significance (3). Last evaluated 2024-12-16.

Conditions:
Spermatogenic failure 28. Identifiers: MedGen C4748117, MONDO:0054732, OMIM 618086.
Premature ovarian failure 15. Identifiers: MedGen C4748170, MONDO:0054862, OMIM 618096.
Fanconi anemia (FA). Also called: Fanconi's anemia. Identifiers: Orphanet 84, MedGen C0015625, MeSH D005199, MONDO:0019391.

Allele frequency attached by ClinVar (database versions not stated): gnomAD exomes below 0.00001 and 0.00001; ExAC 0.00001; gnomAD 0.00001 and 0.00002; TOPMed 0.00001; 1000 Genomes Project 30x 0.00016; 1000 Genomes Project 0.00020.
gnomAD v4.1: 23 of 1,612,836 alleles (0.0014%); highest among the groups gnomAD compares: Non-Finnish European, 0.0017%; no homozygotes.

Submissions (3):

GeneDx
Classification: Uncertain significance. Last evaluated: 2024-12-16. Review status: criteria provided, single submitter. Criteria: GeneDx Variant Classification Process June 2021. Collection method: clinical testing. Allele origin: germline. Affected: yes.
Comment: Not observed at significant frequency in large population cohorts (gnomAD); In silico analysis supports that this missense variant has a deleterious effect on protein structure/function; Has not been previously published as pathogenic or benign to our knowledge

Labcorp Genetics (formerly Invitae), Labcorp
Classification: Uncertain significance for Fanconi anemia. Last evaluated: 2023-07-16. Review status: criteria provided, single submitter. Criteria: Invitae Variant Classification Sherloc (09022015). Collection method: clinical testing. Allele origin: germline.
Comment: This sequence change replaces glycine, which is neutral and non-polar, with aspartic acid, which is acidic and polar, at codon 535 of the FANCM protein (p.Gly535Asp). In summary, the available evidence is currently insufficient to determine the role of this variant in disease. Therefore, it has been classified as a Variant of Uncertain Significance. An algorithm developed to predict the effect of missense changes on protein structure and function (PolyPhen-2) suggests that this variant is likely to be disruptive. ClinVar contains an entry for this variant (Variation ID: 944221). This variant has not been reported in the literature in individuals affected with FANCM-related conditions. This variant is present in population databases (rs201076487, gnomAD 0.007%).

Fulgent Genetics
Classification: Uncertain significance for Spermatogenic failure 28; Premature ovarian failure 15. Last evaluated: 2021-08-20. Review status: criteria provided, single submitter. Criteria: ACMG Guidelines, 2015. Collection method: clinical testing. Allele origin: unknown.